The following is an entry in ClinVar:

NM_001035.3(RYR2):c.12171C>G (p.His4057Gln)

Gene: RYR2 (ryanodine receptor 2; plus strand). Cytogenetic location: 1q43.
Variant type: single nucleotide variant.
Coding change: c.12171C>G on transcript NM_001035.3 (MANE Select); coding-DNA position 12171, C replaced by G.
Protein change: p.His4057Gln; replaces histidine 4057 with glutamine.
Molecular consequence: missense variant.
Genome position (GRCh38, 1-based): chr1:237,783,883, C>G. VCF-style: chr1-237783883-C-G. GRCh37 (hg19) VCF-style: chr1-237947183-C-G.
Other names: c.12171C>G, p.His4057Gln (LRG_402t1); short protein forms H4057Q.
Identifiers: ClinVar variation 629765 (VCV000629765.4), dbSNP rs1558404274, ClinGen allele CA345412425.
Genomic context (GRCh38, chr1:237,783,883, plus strand): 5'-CGATGGCAAGGGAGTCATTTCCAAGAGGGACTTCCACAAAGCGATGGAGAGCCATAAGCA[C>G]TACACGCAGTCAGAAACGGAATTTCTTTTGTCTTGTGCGGAGACGGATGAGAATGAAACC-3'
Protein context (NP_001026.2, residues 4047-4067): DFHKAMESHK[His4057Gln]YTQSETEFLL

ClinVar aggregate classification (germline): Uncertain significance (1 of 4 stars; one submission).

Conditions:
Cardiomyopathy (CMYO). Also called: Cardiomyopathies. Identifiers: Orphanet 167848, MedGen C0878544, MONDO:0004994, HP:0001638. Inheritance: Various modes of inheritance.

Submission:

Color Diagnostics, LLC DBA Color Health
Classification: Uncertain significance for Cardiomyopathy. Last evaluated: 2023-12-04. Review status: criteria provided, single submitter. Criteria: ACMG Guidelines, 2015. Collection method: clinical testing. Allele origin: germline.
Comment: Variant of Uncertain Significance due to insufficient evidence: This missense variant is located in the cytoplasmic domain of the RYR2 protein. Computational prediction tools and conservation analyses are inconclusive regarding the impact of this variant on the protein function. Computational splicing tools suggest that this variant may not impact RNA splicing. To our knowledge, functional assays have not been performed for this variant nor has this variant been reported in individuals affected with cardiovascular disorders in the literature. This variant is rare in the general population and has been identified in 0/277264 chromosomes by the Genome Aggregation Database (gnomAD). Available evidence is insufficient to determine the pathogenicity of this variant conclusively.